The following is an entry in ClinVar:

NM_138694.4(PKHD1):c.2146C>T (p.Gln716Ter)

Gene: PKHD1 (PKHD1 ciliary IPT domain containing fibrocystin/polyductin; minus strand). Cytogenetic location: 6p12.2.
Variant type: single nucleotide variant.
Coding change: c.2146C>T on transcript NM_138694.4 (MANE Select); coding-DNA position 2146, C replaced by T.
Protein change: p.Gln716Ter; replaces glutamine 716 with a stop codon.
Molecular consequence: nonsense.
Genome position (GRCh38, 1-based): chr6:52,050,290, G>A on the plus strand (C>T on the coding strand, the complement: PKHD1 is on the minus strand). VCF-style: chr6-52050290-G-A. GRCh37 (hg19) VCF-style: chr6-51915088-G-A.
Other names: c.2146C>T, p.Gln716Ter (NM_170724.3); short protein forms Q716*.
Identifiers: ClinVar variation 2737809 (VCV002737809.3), dbSNP rs761463388, ClinGen allele CA364443941.

ClinVar aggregate classification (germline): Pathogenic (1 of 4 stars; one submission).

Conditions:
Autosomal recessive polycystic kidney disease (ARPKD). Also called: AR polycystic kidney disease. Identifiers: Orphanet 731, Orphanet 8378, MedGen C0085548, MeSH D017044, MONDO:0009889.

Submission:

Labcorp Genetics (formerly Invitae), Labcorp
Classification: Pathogenic for Autosomal recessive polycystic kidney disease. Last evaluated: 2023-07-11. Review status: criteria provided, single submitter. Criteria: Invitae Variant Classification Sherloc (09022015). Collection method: clinical testing. Allele origin: germline.
Comment: For these reasons, this variant has been classified as Pathogenic. Algorithms developed to predict the effect of sequence changes on RNA splicing suggest that this variant may disrupt the consensus splice site. This variant has not been reported in the literature in individuals affected with PKHD1-related conditions. This variant is not present in population databases (gnomAD no frequency). This sequence change creates a premature translational stop signal (p.Gln716*) in the PKHD1 gene. It is expected to result in an absent or disrupted protein product. Loss-of-function variants in PKHD1 are known to be pathogenic (PMID: 19940839).

Literature cited by the submitters: PubMed 19940839.